The following is an entry in ClinVar:

ClinVar aggregate classification (germline): Uncertain significance (1 of 4 stars; one submission).

Conditions:
X-linked agammaglobulinemia with growth hormone deficiency (IGHD3). Also called: ISOLATED GROWTH HORMONE DEFICIENCY, TYPE III, WITH AGAMMAGLOBULINEMIA; AGAMMAGLOBULINEMIA AND ISOLATED GROWTH HORMONE DEFICIENCY, X-LINKED; FLEISHER SYNDROME; HYPOGAMMAGLOBULINEMIA AND ISOLATED GROWTH HORMONE DEFICIENCY, X-LINKED; IGHD III; Isolated growth hormone deficiency type 3. Identifiers: Orphanet 231692, Orphanet 631, MedGen C0472813, MONDO:0010615, OMIM 307200.

Submission:

Labcorp Genetics (formerly Invitae), Labcorp
Classification: Uncertain significance for X-linked agammaglobulinemia with growth hormone deficiency. Last evaluated: 2021-03-09. Review status: criteria provided, single submitter. Criteria: Invitae Variant Classification Sherloc (09022015). Collection method: clinical testing. Allele origin: germline.
Comment: A copy number gain of the genomic region encompassing the full coding sequence of the BTK gene has been identified. The boundaries of this event are unknown as they extend beyond the assayed region for this gene and therefore may encompass additional genes. As the precise location of this event is unknown, it may be in tandem or it may be located elsewhere in the genome. This variant has not been reported in the literature in individuals with BTK-related conditions. In summary, the available evidence is currently insufficient to determine the role of this variant in disease. Therefore, it has been classified as a Variant of Uncertain Significance.

NC_000023.10:g.(?_100604873)_(100630272_?)dup

Gene: BTK (Bruton tyrosine kinase; minus strand). Cytogenetic location: Xq22.1.
Variant type: Duplication.
Identifiers: ClinVar variation 1408914 (VCV001408914.1).